The following is an entry in ClinVar:

ClinVar aggregate classification (germline): Uncertain significance (1 of 4 stars; one submission).

Conditions:
Immunodeficiency. Identifiers: MedGen C0021051, MONDO:0021094, HP:0002721.

Allele frequency attached by ClinVar (database versions not stated): gnomAD 0.00001; TOPMed 0.00001.
gnomAD v4.1: 27 of 1,613,952 alleles (0.0017%); highest among the groups gnomAD compares: Non-Finnish European, 0.002%; no homozygotes.

Submission:

Labcorp Genetics (formerly Invitae), Labcorp
Classification: Uncertain significance for Immunodeficiency. Last evaluated: 2025-02-17. Review status: criteria provided, single submitter. Criteria: Invitae Variant Classification Sherloc (09022015). Collection method: clinical testing. Allele origin: germline.
Comment: This sequence change replaces aspartic acid, which is acidic and polar, with histidine, which is basic and polar, at codon 1316 of the NFAT5 protein (p.Asp1316His). This variant is not present in population databases (gnomAD no frequency). This variant has not been reported in the literature in individuals affected with NFAT5-related conditions. ClinVar contains an entry for this variant (Variation ID: 1938727). An algorithm developed to predict the effect of missense changes on protein structure and function (PolyPhen-2) suggests that this variant is likely to be disruptive. In summary, the available evidence is currently insufficient to determine the role of this variant in disease. Therefore, it has been classified as a Variant of Uncertain Significance.

NM_138713.4(NFAT5):c.4228G>C (p.Asp1410His)

Gene: NFAT5 (nuclear factor of activated T cells 5; plus strand). Cytogenetic location: 16q22.1.
Variant type: single nucleotide variant.
Coding change: c.4228G>C on transcript NM_138713.4 (MANE Select); coding-DNA position 4228, G replaced by C.
Protein change: p.Asp1410His; replaces aspartic acid 1410 with histidine.
Molecular consequence: missense variant.
Genome position (GRCh38, 1-based): chr16:69,694,053, G>C. VCF-style: chr16-69694053-G-C. GRCh37 (hg19) VCF-style: chr16-69727956-G-C.
Other names: c.4225G>C, p.Asp1409His (NM_001113178.3); c.3553G>C, p.Asp1185His (NM_001367709.1); c.4174G>C, p.Asp1392His (NM_006599.4); c.3946G>C, p.Asp1316His (NM_138714.4, NM_173214.3, NM_173215.3); short protein forms D1409H, D1185H, D1410H, D1316H, D1392H.
Identifiers: ClinVar variation 1938727 (VCV001938727.5), dbSNP rs1198206477, ClinGen allele CA396515283.